The following is an entry in ClinVar:

NM_004218.4(RAB11B):c.517T>C (p.Tyr173His)

Gene: RAB11B (RAB11B, member RAS oncogene family; plus strand). Cytogenetic location: 19p13.2.
Variant type: single nucleotide variant.
Coding change: c.517T>C on transcript NM_004218.4 (MANE Select); coding-DNA position 517, T replaced by C.
Protein change: p.Tyr173His; replaces tyrosine 173 with histidine.
Molecular consequence: missense variant.
Genome position (GRCh38, 1-based): chr19:8,403,418, T>C. VCF-style: chr19-8403418-T-C. GRCh37 (hg19) VCF-style: chr19-8468302-T-C.
Other names: short protein forms Y173H.
Identifiers: ClinVar variation 5008587 (VCV005008587.1).

ClinVar aggregate classification (germline): Uncertain significance (1 of 4 stars; one submission).

Submission:

GeneDx
Classification: Uncertain significance. Last evaluated: 2026-03-15. Review status: criteria provided, single submitter. Criteria: GeneDx Variant Classification Process June 2021. Collection method: clinical testing. Allele origin: germline.
Comment: Not observed at significant frequency in large population cohorts (gnomAD); In silico analysis supports that this missense variant has a deleterious effect on protein structure/function; Has not been previously published as pathogenic or benign to our knowledge